The following is an entry in ClinVar:

ClinVar aggregate classification (germline): Uncertain significance (0 of 4 stars; one submission).

Conditions:
HTR2C-related disorder. Also called: HTR2C-related condition.

gnomAD v4.1: 1 of 1,198,176 alleles (0.000083%); highest among the groups gnomAD compares: Admixed American, 0.0022%; no homozygotes.

Submission:

PreventionGenetics, part of Exact Sciences
Classification: Uncertain significance for HTR2C-related condition. Last evaluated: 2024-05-16. Review status: no assertion criteria provided. Collection method: clinical testing. Allele origin: germline.
Comment: The HTR2C c.1361G>T variant is predicted to result in the amino acid substitution p.Arg454Met. To our knowledge, this variant has not been reported in the literature. This variant is reported in 0.0073% of alleles in individuals of Latino descent in gnomAD including 1 hemizygote. At this time, the clinical significance of this variant is uncertain due to the absence of conclusive functional and genetic evidence.

NM_000868.4(HTR2C):c.1361G>T (p.Arg454Met)

Genes: HTR2C (5-hydroxytryptamine receptor 2C; plus strand), LOC126863306 (MED14-independent group 3 enhancer GRCh37_chrX:114140926-114142125; plus strand). Cytogenetic location: Xq23.
Variant type: single nucleotide variant.
Coding change: c.1361G>T on transcript NM_000868.4 (MANE Select); coding-DNA position 1361, G replaced by T.
Protein change: p.Arg454Met; replaces arginine 454 with methionine.
Molecular consequence: missense variant. On other transcripts: 3 prime UTR variant (1).
Genome position (GRCh38, 1-based): chrX:114,907,399, G>T. VCF-style: chrX-114907399-G-T. GRCh37 (hg19) VCF-style: chrX-114141962-G-T.
Other names: c.1361G>T, p.Arg454Met (NM_001256760.3); c.*519G>T (NM_001256761.3); short protein forms R454M.
Identifiers: ClinVar variation 3354280 (VCV003354280.1).
Genomic context (GRCh38, chrX:114,907,399, plus strand): 5'-TAGAGATGCAAGTTGAGAATTTAGAGTTACCAGTAAATCCCTCCAGTGTGGTTAGCGAAA[G>T]GATTAGCAGTGTGTGAGAAAGAACAGCACAGTCTTTTCCTACGGTACAAGCTACATATGT-3'
Protein context (NP_000859.2, residues 444-458): PVNPSSVVSE[Arg454Met]ISSV